The following is an entry in ClinVar:

NM_007371.4(BRD3):c.1407+5G>A

Gene: BRD3 (bromodomain containing 3; minus strand). Cytogenetic location: 9q34.2.
Variant type: single nucleotide variant.
Coding change: c.1407+5G>A on transcript NM_007371.4 (MANE Select); 5 bases into the intron after coding-DNA position 1407, G replaced by A.
Molecular consequence: intron variant.
Genome position (GRCh38, 1-based): chr9:134,041,755, C>T on the plus strand (G>A on the coding strand, the complement: BRD3 is on the minus strand). VCF-style: chr9-134041755-C-T. GRCh37 (hg19) VCF-style: chr9-136906877-C-T.
Identifiers: ClinVar variation 4822608 (VCV004822608.4).

ClinVar aggregate classification (germline): Uncertain significance (1 of 4 stars; one submission).

Submission:

CeGaT Center for Human Genetics Tuebingen
Classification: Uncertain significance. Last evaluated: 2026-01-01. Review status: criteria provided, single submitter. Criteria: CeGaT Center For Human Genetics Tuebingen Variant Classification Criteria Version 2. Collection method: clinical testing. Allele origin: germline. Affected: yes. Observed: 1 variant allele.
Comment: BRD3: PM2, BP4